The following is an entry in ClinVar:

ClinVar aggregate classification (germline): Pathogenic. Review status: criteria provided, multiple submitters, no conflicts (2 of 4 stars). 2 submissions from 2 submitters: Pathogenic (2). Last evaluated 2025-12-10.

Conditions:
Retinitis pigmentosa 55 (RP55). Identifiers: Orphanet 791, MedGen C3150808, MONDO:0013312, OMIM 613575.

Submissions (2):

Research Institute for Ophthalmology and Vision Science, Shahid Beheshti University of Medical Sciences
Classification: Pathogenic for Retinitis pigmentosa 55. Last evaluated: 2025-12-10. Review status: criteria provided, single submitter. Criteria: ACMG Guidelines, 2015. Collection method: research. Allele origin: inherited. Affected: yes.
Comment: PVS1-PM2-PM3

Palindrome, Gene Kavoshgaran Aria
Classification: Pathogenic for Retinitis pigmentosa 55. Last evaluated: 2021-09-02. Review status: criteria provided, single submitter. Criteria: ACMG Guidelines, 2015. Collection method: clinical testing. Allele origin: germline. Inheritance: Autosomal recessive inheritance. Affected: yes. Observed: 3 homozygotes. Clinical features observed: Rod-cone dystrophy (HP:0000510), Blindness (HP:0000618).

NM_001278293.3(ARL6):c.255-2A>T

Gene: ARL6 (ARF like GTPase 6; plus strand). Cytogenetic location: 3q11.2.
Variant type: single nucleotide variant.
Coding change: c.255-2A>T on transcript NM_001278293.3 (MANE Select); the canonical splice acceptor site of the intron before coding-DNA position 255, A replaced by T.
Molecular consequence: splice acceptor variant.
Genome position (GRCh38, 1-based): chr3:97,784,953, A>T. VCF-style: chr3-97784953-A-T. GRCh37 (hg19) VCF-style: chr3-97503797-A-T.
Other names: c.255-2A>T (NM_032146.5, NM_177976.3, NM_001323513.2 and 1 more transcripts).
Identifiers: ClinVar variation 3069201 (VCV003069201.2), dbSNP rs2529939513, ClinGen allele CA353586927.